The following is an entry in ClinVar:

NM_004655.4(AXIN2):c.1594G>C (p.Glu532Gln)

Gene: AXIN2 (axin 2; minus strand). Cytogenetic location: 17q24.1.
Variant type: single nucleotide variant.
Coding change: c.1594G>C on transcript NM_004655.4 (MANE Select); coding-DNA position 1594, G replaced by C.
Protein change: p.Glu532Gln; replaces glutamic acid 532 with glutamine.
Molecular consequence: missense variant.
Genome position (GRCh38, 1-based): chr17:65,537,442, C>G on the plus strand (G>C on the coding strand, the complement: AXIN2 is on the minus strand). VCF-style: chr17-65537442-C-G. GRCh37 (hg19) VCF-style: chr17-63533560-C-G.
Other names: c.1594G>C, p.Glu532Gln (NM_001363813.1); short protein forms E532Q.
Identifiers: ClinVar variation 1775989 (VCV001775989.3), dbSNP rs755551294, ClinGen allele CA400677191.
Genomic context (GRCh38, chr17:65,537,442, plus strand): 5'-AGCAGTAATACTCGCTGCCCCCAGGGCAGAAGCAGTGCACCCGCTGCGTGGCCTCCGCCT[C>G]GATCTCCTCCTTGGTCTTGGGGACGGCATGGTGGTGGATGTAGTGGTGGTGGACATGCTT-3'
Protein context (NP_004646.3, residues 522-542): HAVPKTKEEI[Glu532Gln]AEATQRVHCF

ClinVar aggregate classification (germline): Uncertain significance (1 of 4 stars; one submission).

Conditions:
Hereditary cancer-predisposing syndrome. Also called: Neoplastic Syndromes, Hereditary; Tumor predisposition; Hereditary Cancer Syndrome; Hereditary neoplastic syndrome. Identifiers: Orphanet 140162, MedGen C0027672, MeSH D009386, MONDO:0015356.

gnomAD v4.1: 1 of 1,614,008 alleles (0.000062%); highest among the groups gnomAD compares: Non-Finnish European, 0.000085%; no homozygotes.

Submission:

Ambry Genetics
Classification: Uncertain significance for Hereditary cancer-predisposing syndrome. Last evaluated: 2025-02-11. Review status: criteria provided, single submitter. Criteria: Ambry Variant Classification Scheme 2023. Collection method: clinical testing. Allele origin: germline.
Comment: The p.E532Q variant (also known as c.1594G>C), located in coding exon 5 of the AXIN2 gene, results from a G to C substitution at nucleotide position 1594. The glutamic acid at codon 532 is replaced by glutamine, an amino acid with highly similar properties. This amino acid position is highly conserved in available vertebrate species. In addition, the in silico prediction for this alteration is inconclusive. Based on the available evidence, the clinical significance of this variant remains unclear.